The following is an entry in ClinVar:

NM_006576.4(AVIL):c.1633C>T (p.Leu545=)

Gene: AVIL (advillin; minus strand). Cytogenetic location: 12q14.1.
Variant type: single nucleotide variant.
Coding change: c.1633C>T on transcript NM_006576.4 (MANE Select); coding-DNA position 1633, C replaced by T.
Protein change: p.Leu545=; no amino-acid change (leucine 545 retained).
Molecular consequence: synonymous variant.
Genome position (GRCh38, 1-based): chr12:57,806,398, G>A on the plus strand (C>T on the coding strand, the complement: AVIL is on the minus strand). VCF-style: chr12-57806398-G-A. GRCh37 (hg19) VCF-style: chr12-58200181-G-A.
Identifiers: ClinVar variation 4988892 (VCV004988892.1).

ClinVar aggregate classification (germline): Likely benign (1 of 4 stars; one submission).

Conditions:
AVIL-related disorder. Also called: AVIL-related condition.

gnomAD v4.1: 33 of 1,614,116 alleles (0.002%); highest among the groups gnomAD compares: African/African-American, 0.032%; no homozygotes.

Submission:

PreventionGenetics, part of Exact Sciences
Classification: Likely benign for AVIL-related condition. Last evaluated: 2024-12-20. Review status: criteria provided, single submitter. Criteria: ACMG Guidelines, 2015. Collection method: clinical testing. Allele origin: germline.
Comment: This variant is classified as likely benign based on ACMG/AMP sequence variant interpretation guidelines (Richards et al. 2015 PMID: 25741868, with internal and published modifications).